The following is an entry in ClinVar:

ClinVar aggregate classification (germline): Uncertain significance (1 of 4 stars; one submission).

Conditions:
Jeune thoracic dystrophy. Also called: Jeune syndrome; Infantile thoracic dystrophy; Thoracic pelvic phalangeal dystrophy; Jeune's syndrome; Chondroectodermal dysplasia-like syndrome; Short-rib thoracic dysplasia. Identifiers: Orphanet 474, MedGen C0265275, MONDO:0018770.

gnomAD v4.1: 9 of 1,586,258 alleles (0.00057%); highest among the groups gnomAD compares: Non-Finnish European, 0.00078%; no homozygotes.

Submission:

Labcorp Genetics (formerly Invitae), Labcorp
Classification: Uncertain significance for Jeune thoracic dystrophy. Last evaluated: 2025-03-11. Review status: criteria provided, single submitter. Criteria: Invitae Variant Classification Sherloc (09022015). Collection method: clinical testing. Allele origin: germline.
Comment: This sequence change replaces alanine, which is neutral and non-polar, with valine, which is neutral and non-polar, at codon 467 of the IFT80 protein (p.Ala467Val). This variant is present in population databases (no rsID available, gnomAD 0.0009%). This variant has not been reported in the literature in individuals affected with IFT80-related conditions. Invitae Evidence Modeling of protein sequence and biophysical properties (such as structural, functional, and spatial information, amino acid conservation, physicochemical variation, residue mobility, and thermodynamic stability) has been performed for this missense variant. However, the output from this modeling did not meet the statistical confidence thresholds required to predict the impact of this variant on IFT80 protein function. In summary, the available evidence is currently insufficient to determine the role of this variant in disease. Therefore, it has been classified as a Variant of Uncertain Significance.

NM_020800.3(IFT80):c.1400C>T (p.Ala467Val)

Genes: TRIM59-IFT80 (TRIM59-IFT80 readthrough (NMD candidate); minus strand), IFT80 (intraflagellar transport 80; minus strand). Cytogenetic location: 3q25.33.
Variant type: single nucleotide variant.
Coding change: c.1400C>T on transcript NM_020800.3 (MANE Select); coding-DNA position 1400, C replaced by T.
Protein change: p.Ala467Val; replaces alanine 467 with valine.
Molecular consequence: missense variant. On other transcripts: non-coding transcript variant (3).
Genome position (GRCh38, 1-based): chr3:160,282,594, G>A on the plus strand (C>T on the coding strand, the complement: IFT80 is on the minus strand). VCF-style: chr3-160282594-G-A. GRCh37 (hg19) VCF-style: chr3-160000382-G-A.
Other names: c.989C>T, p.Ala330Val (NM_001190241.2, NM_001190242.2); short protein forms A467V, A330V.
Identifiers: ClinVar variation 4739061 (VCV004739061.1).